The following is an entry in ClinVar:

ClinVar aggregate classification (germline): Uncertain significance (1 of 4 stars; one submission).

Conditions:
Emery-Dreifuss muscular dystrophy 4, autosomal dominant (EDMD4). Also called: EMERY-DREIFUSS MUSCULAR DYSTROPHY 4 WITH VARIABLE FEATURES. Identifiers: Orphanet 261, MedGen C2751807, MONDO:0013071, OMIM 612998.
Autosomal recessive ataxia, Beauce type. Also called: SYNE1 Deficiency; Spinocerebellar ataxia, autosomal recessive 8; ATAXIA, RECESSIVE, OF BEAUCE; SYNE1-Related Autosomal Recessive Cerebellar Ataxia. Identifiers: Orphanet 88644, MedGen C1853116, MONDO:0012549, OMIM 610743.

Submission:

Labcorp Genetics (formerly Invitae), Labcorp
Classification: Uncertain significance for Emery-Dreifuss muscular dystrophy 4, autosomal dominant; Autosomal recessive ataxia, Beauce type. Last evaluated: 2022-05-17. Review status: criteria provided, single submitter. Criteria: Invitae Variant Classification Sherloc (09022015). Collection method: clinical testing. Allele origin: germline.
Comment: This sequence change replaces aspartic acid, which is acidic and polar, with glycine, which is neutral and non-polar, at codon 8536 of the SYNE1 protein (p.Asp8536Gly). This variant is not present in population databases (gnomAD no frequency). This variant has not been reported in the literature in individuals affected with SYNE1-related conditions. Algorithms developed to predict the effect of missense changes on protein structure and function are either unavailable or do not agree on the potential impact of this missense change (SIFT: "Deleterious"; PolyPhen-2: "Probably Damaging"; Align-GVGD: "Class C0"). In summary, the available evidence is currently insufficient to determine the role of this variant in disease. Therefore, it has been classified as a Variant of Uncertain Significance.

NM_182961.4(SYNE1):c.25751A>G (p.Asp8584Gly)

Gene: SYNE1 (spectrin repeat containing nuclear envelope protein 1; minus strand). Cytogenetic location: 6q25.2.
Variant type: single nucleotide variant.
Coding change: c.25751A>G on transcript NM_182961.4 (MANE Select); coding-DNA position 25751, A replaced by G.
Protein change: p.Asp8584Gly; replaces aspartic acid 8584 with glycine.
Molecular consequence: missense variant.
Genome position (GRCh38, 1-based): chr6:152,135,141, T>C on the plus strand (A>G on the coding strand, the complement: SYNE1 is on the minus strand). VCF-style: chr6-152135141-T-C. GRCh37 (hg19) VCF-style: chr6-152456276-T-C.
Other names: c.2357A>G, p.Asp786Gly (NM_001347701.2); c.2285A>G, p.Asp762Gly (NM_001347702.2); c.25607A>G, p.Asp8536Gly (NM_033071.5); short protein forms D8536G, D762G, D8584G, D786G.
Identifiers: ClinVar variation 1961824 (VCV001961824.5), dbSNP rs41291047, ClinGen allele CA366078550.